The following is an entry in ClinVar:

ClinVar aggregate classification (germline): Benign. Review status: criteria provided, multiple submitters, no conflicts (2 of 4 stars). 2 submissions from 2 submitters: Benign (2). Last evaluated 2018-01-12.

Conditions:
Thrombocythemia 1 (THCYT1). Also called: THROMBOCYTOSIS 1; THROMBOCYTHEMIA, SOMATIC. Identifiers: MedGen C3277671, MONDO:0008554, OMIM 187950.

Allele frequency attached by ClinVar (database versions not stated): gnomAD exomes 0.04813; gnomAD 0.06309 and 0.06316; TOPMed 0.06409; 1000 Genomes Project 30x 0.06824; 1000 Genomes Project 0.07188.

Submissions (2):

Illumina Laboratory Services, Illumina
Classification: Benign for Thrombocythemia 1. Last evaluated: 2018-01-12. Review status: criteria provided, single submitter. Criteria: ICSL Variant Classification Criteria 13 December 2019. Collection method: clinical testing. Allele origin: germline.
Comment: This variant was observed in the ICSL laboratory as part of a predisposition screen in an ostensibly healthy population. It had not been previously curated by ICSL or reported in the Human Gene Mutation Database (HGMD: prior to June 1st, 2018), and was therefore a candidate for classification through an automated scoring system. Utilizing variant allele frequency, disease prevalence and penetrance estimates, and inheritance mode, an automated score was calculated to assess if this variant is too frequent to cause the disease. Based on the score and internal cut-off values, a variant classified as benign is not then subjected to further curation. The score for this variant resulted in a classification of benign for this disease.

Breakthrough Genomics
Classification: Benign. Review status: criteria provided, single submitter. Criteria: ACMG Guidelines, 2015. Collection method: not provided. Allele origin: germline. Inheritance: Autosomal dominant inheritance. Affected: yes.

NM_000460.4(THPO):c.*482A>T

Gene: THPO (thrombopoietin; minus strand). Cytogenetic location: 3q27.1.
Variant type: single nucleotide variant.
Coding change: c.*482A>T on transcript NM_000460.4 (MANE Select); 482 bases downstream of the stop codon, A replaced by T.
Molecular consequence: 3 prime UTR variant.
Genome position (GRCh38, 1-based): chr3:184,372,031, T>A on the plus strand (A>T on the coding strand, the complement: THPO is on the minus strand). VCF-style: chr3-184372031-T-A. GRCh37 (hg19) VCF-style: chr3-184089819-T-A.
Other names: c.*482A>T (NM_001177597.2, NM_001289998.1, NM_001290003.1 and 3 more transcripts); c.*567A>T (NM_001177598.2, NM_001289997.1, NM_001290026.1 and 1 more transcripts).
Identifiers: ClinVar variation 344366 (VCV000344366.6), dbSNP rs3804618, ClinGen allele CA10617802.